The following is an entry in ClinVar:

ClinVar aggregate classification (germline): Uncertain significance (1 of 4 stars; one submission).

Allele frequency attached by ClinVar (database versions not stated): gnomAD exomes below 0.00001.
gnomAD v4.1: 2 of 1,614,084 alleles (0.00012%); highest among the groups gnomAD compares: Non-Finnish European, 0.00017%; no homozygotes.

Submission:

Ambry Genetics
Classification: Uncertain significance. Last evaluated: 2021-12-30. Review status: criteria provided, single submitter. Criteria: Ambry Variant Classification Scheme 2023. Collection method: clinical testing. Allele origin: germline.
Comment: The p.S948C variant (also known as c.2843C>G), located in coding exon 4 of the ALPK2 gene, results from a C to G substitution at nucleotide position 2843. The serine at codon 948 is replaced by cysteine, an amino acid with dissimilar properties. This amino acid position is conserved. In addition, this alteration is predicted to be tolerated by in silico analysis. Since supporting evidence is limited at this time, the clinical significance of this alteration remains unclear.

NM_052947.4(ALPK2):c.2843C>G (p.Ser948Cys)

Gene: ALPK2 (alpha kinase 2; minus strand). Cytogenetic location: 18q21.31.
Variant type: single nucleotide variant.
Coding change: c.2843C>G on transcript NM_052947.4 (MANE Select); coding-DNA position 2843, C replaced by G.
Protein change: p.Ser948Cys; replaces serine 948 with cysteine.
Molecular consequence: missense variant.
Genome position (GRCh38, 1-based): chr18:58,537,344, G>C on the plus strand (C>G on the coding strand, the complement: ALPK2 is on the minus strand). VCF-style: chr18-58537344-G-C. GRCh37 (hg19) VCF-style: chr18-56204576-G-C.
Other names: short protein forms S948C.
Identifiers: ClinVar variation 1796739 (VCV001796739.2), dbSNP rs2518877188, ClinGen allele CA402569656.